The following is an entry in ClinVar:

ClinVar aggregate classification (germline): Uncertain significance. Review status: criteria provided, multiple submitters, no conflicts (2 of 4 stars). 3 submissions from 3 submitters: Uncertain significance (3). Last evaluated 2025-11-20.

Conditions:
Immunodeficiency 51 (IMD51). Also called: CANDIDIASIS, FAMILIAL, 5. Identifiers: Orphanet 1334, MedGen C4310803, MONDO:0013500, OMIM 613953.

Allele frequency attached by ClinVar (database versions not stated): gnomAD exomes 0.00003; ExAC 0.00005; TOPMed 0.00006.

Submissions (3):

Ambry Genetics
Classification: Uncertain significance. Last evaluated: 2025-11-20. Review status: criteria provided, single submitter. Criteria: Ambry Variant Classification Scheme 2023. Collection method: clinical testing. Allele origin: germline.

Labcorp Genetics (formerly Invitae), Labcorp
Classification: Uncertain significance for Immunodeficiency 51. Last evaluated: 2025-02-10. Review status: criteria provided, single submitter. Criteria: Invitae Variant Classification Sherloc (09022015). Collection method: clinical testing. Allele origin: germline.
Comment: This sequence change replaces serine, which is neutral and polar, with asparagine, which is neutral and polar, at codon 715 of the IL17RA protein (p.Ser715Asn). This variant is present in population databases (rs747892404, gnomAD 0.007%). This variant has not been reported in the literature in individuals affected with IL17RA-related conditions. ClinVar contains an entry for this variant (Variation ID: 574324). Invitae Evidence Modeling of protein sequence and biophysical properties (such as structural, functional, and spatial information, amino acid conservation, physicochemical variation, residue mobility, and thermodynamic stability) indicates that this missense variant is not expected to disrupt IL17RA protein function with a negative predictive value of 80%. In summary, the available evidence is currently insufficient to determine the role of this variant in disease. Therefore, it has been classified as a Variant of Uncertain Significance.

Blueprint Genetics
Classification: Uncertain significance. Last evaluated: 2024-03-27. Review status: criteria provided, single submitter. Criteria: ACMG Guidelines, 2015. Collection method: clinical testing. Allele origin: germline.

NM_014339.7(IL17RA):c.2144G>A (p.Ser715Asn)

Gene: IL17RA (interleukin 17 receptor A; plus strand). Cytogenetic location: 22q11.1.
Variant type: single nucleotide variant.
Coding change: c.2144G>A on transcript NM_014339.7 (MANE Select); coding-DNA position 2144, G replaced by A.
Protein change: p.Ser715Asn; replaces serine 715 with asparagine.
Molecular consequence: missense variant.
Genome position (GRCh38, 1-based): chr22:17,109,363, G>A. VCF-style: chr22-17109363-G-A. GRCh37 (hg19) VCF-style: chr22-17590253-G-A.
Other names: c.2144G>A (NM_014339.5); c.2042G>A, p.Ser681Asn (NM_001289905.2); short protein forms S715N, S681N.
Identifiers: ClinVar variation 574324 (VCV000574324.9), dbSNP rs747892404, ClinGen allele CA10086913.